The following is an entry in ClinVar:

ClinVar aggregate classification (germline): Pathogenic. Review status: criteria provided, single submitter (1 of 4 stars). 2 submissions from 2 submitters: Pathogenic (1). 1 of the submissions does not count toward it. Last evaluated 2022-09-01.

Submissions (2):

Labcorp Genetics (formerly Invitae), Labcorp
Classification: Pathogenic. Last evaluated: 2022-09-01. Review status: criteria provided, single submitter. Criteria: Invitae Variant Classification Sherloc (09022015). Collection method: clinical testing. Allele origin: germline.
Comment: For these reasons, this variant has been classified as Pathogenic. This variant disrupts the p.Arg376 amino acid residue in GFAP. Other variant(s) that disrupt this residue have been determined to be pathogenic (PMID: 18217876, 21533827, 23149175, 27468269; Invitae). This suggests that this residue is clinically significant, and that variants that disrupt this residue are likely to be disease-causing. Algorithms developed to predict the effect of missense changes on protein structure and function are either unavailable or do not agree on the potential impact of this missense change (SIFT: "Deleterious"; PolyPhen-2: "Probably Damaging"; Align-GVGD: "Class C0"). ClinVar contains an entry for this variant (Variation ID: 66442). This missense change has been observed in individual(s) with Alexander disease and/or clinical features of Alexander disease (PMID: 21917775; Invitae). In at least one individual the variant was observed to be de novo. This variant is not present in population databases (gnomAD no frequency). This sequence change replaces arginine, which is basic and polar, with glycine, which is neutral and non-polar, at codon 376 of the GFAP protein (p.Arg376Gly).

Epithelial Biology;  Institute of Medical Biology, Singapore
No classification provided. Review status: no classification provided. Collection method: not provided. Allele origin: not provided. Not counted in ClinVar's aggregate classification.

Literature cited by the submitters: PubMed 18217876 (cited by Labcorp Genetics (formerly Invitae), Labcorp); PubMed 21533827 (cited by Labcorp Genetics (formerly Invitae), Labcorp); PubMed 23149175 (cited by Labcorp Genetics (formerly Invitae), Labcorp); PubMed 27468269 (cited by Labcorp Genetics (formerly Invitae), Labcorp); PubMed 21917775 (cited by Labcorp Genetics (formerly Invitae), Labcorp).

NM_002055.5(GFAP):c.1126C>G (p.Arg376Gly)

Genes: GFAP (glial fibrillary acidic protein; minus strand), LOC130060994 (ATAC-STARR-seq lymphoblastoid active region 12266; plus strand). Cytogenetic location: 17q21.31.
Variant type: single nucleotide variant.
Coding change: c.1126C>G on transcript NM_002055.5 (MANE Select); coding-DNA position 1126, C replaced by G.
Protein change: p.Arg376Gly; replaces arginine 376 with glycine.
Molecular consequence: missense variant.
Genome position (GRCh38, 1-based): chr17:44,911,237, G>C on the plus strand (C>G on the coding strand, the complement: GFAP is on the minus strand). VCF-style: chr17-44911237-G-C. GRCh37 (hg19) VCF-style: chr17-42988605-G-C.
Other names: c.1126C>G, p.Arg376Gly (NM_001131019.3, NM_001242376.3, NM_001363846.2); short protein forms R376G.
Identifiers: ClinVar variation 66442 (VCV000066442.7), dbSNP rs267607512, ClinGen allele CA217121.